The following is an entry in ClinVar:

ClinVar aggregate classification (germline): Conflicting classifications of pathogenicity. Review status: criteria provided, conflicting classifications (1 of 4 stars). 4 submissions from 4 submitters: Uncertain significance (2); Likely benign (2). Last evaluated 2026-02-12.

Conditions:
TTN-related disorder. Also called: TTN-related condition; TTN-related disease; TTN-related disorders.
Dilated cardiomyopathy 1G (CMD1G). Identifiers: Orphanet 154, MedGen C1858763, MONDO:0011400, OMIM 604145.
Autosomal recessive limb-girdle muscular dystrophy type 2J (LGMDR10). Also called: MUSCULAR DYSTROPHY, LIMB-GIRDLE, AUTOSOMAL RECESSIVE 10; Limb-girdle muscular dystrophy, type 2J. Identifiers: Orphanet 140922, MedGen C1837342, MONDO:0012127, OMIM 608807.

Allele frequency attached by ClinVar (database versions not stated): gnomAD exomes below 0.00001 and 0.00001; ExAC 0.00001; gnomAD 0.00002 and 0.00003; TOPMed 0.00002.
gnomAD v4.1: 15 of 1,613,334 alleles (0.00093%); highest among the groups gnomAD compares: Non-Finnish European, 0.0013%; no homozygotes.

Submissions (4):

PreventionGenetics, part of Exact Sciences
Classification: Uncertain significance for TTN-related condition. Last evaluated: 2026-02-12. Review status: criteria provided, single submitter. Criteria: ACMG Guidelines, 2015. Collection method: clinical testing. Allele origin: germline.
Comment: The TTN c.39064G>A variant is predicted to result in the amino acid substitution p.Val13022Ile. To our knowledge, this variant has not been reported in the literature. This variant is reported in 0.00089% of alleles in individuals of European (Non-Finnish) descent in gnomAD. At this time, the clinical significance of this variant is uncertain due to the absence of conclusive functional and genetic evidence.

Molecular Diagnostic Laboratory for Inherited Cardiovascular Disease, Montreal Heart Institute
Classification: Likely benign. Last evaluated: 2025-04-09. Review status: criteria provided, single submitter. Criteria: ACMG Guidelines, 2015. Collection method: clinical testing. Allele origin: germline. Affected: no.

Blueprint Genetics
Classification: Likely benign. Last evaluated: 2022-09-02. Review status: criteria provided, single submitter. Criteria: ACMG Guidelines, 2015. Collection method: clinical testing. Allele origin: germline.

Labcorp Genetics (formerly Invitae), Labcorp
Classification: Uncertain significance for Dilated cardiomyopathy 1G; Autosomal recessive limb-girdle muscular dystrophy type 2J. Last evaluated: 2018-01-03. Review status: criteria provided, single submitter. Criteria: Invitae Variant Classification Sherloc (09022015). Collection method: clinical testing. Allele origin: germline.

NM_001267550.2(TTN):c.39064G>A (p.Val13022Ile)

Gene: TTN (titin; minus strand). Cytogenetic location: 2q31.2.
Variant type: single nucleotide variant.
Coding change: c.39064G>A on transcript NM_001267550.2 (MANE Select); coding-DNA position 39064, G replaced by A.
Protein change: p.Val13022Ile; replaces valine 13022 with isoleucine.
Molecular consequence: missense variant. On other transcripts: intron variant (3).
Genome position (GRCh38, 1-based): chr2:178,652,521, C>T on the plus strand (G>A on the coding strand, the complement: TTN is on the minus strand). VCF-style: chr2-178652521-C-T. GRCh37 (hg19) VCF-style: chr2-179517248-C-T.
Other names: c.34543G>A, p.Val11515Ile (NM_001256850.1); c.31762G>A, p.Val10588Ile (NM_133378.4); c.13283-10204G>A (NM_003319.4); c.13859-10204G>A (NM_133437.4); c.13658-10204G>A (NM_133432.3); short protein forms V13022I, V11515I, V10588I.
Identifiers: ClinVar variation 535409 (VCV000535409.6), dbSNP rs767090806, ClinGen allele CA1996878.
Genomic context (GRCh38, chr2:178,652,521, plus strand): 5'-TAACAGGTGTGACTTCAGGCTTTTTAGGAGGAGCCGCTGGCACTTTCTTTTCAGGAACAA[C>T]TTCTTTCGGAGCCTCTGGCACTTAAAAGATATTAGTGAAATTACATTTAGAAGTTATGAA-3'
Protein context (NP_001254479.2, residues 13012-13032): PVKVPEAPKE[Val13022Ile]VPEKKVPAAP